The following is an entry in ClinVar:

NM_021020.5(LZTS1):c.1054C>T (p.Leu352Phe)

Gene: LZTS1 (leucine zipper tumor suppressor 1; minus strand). Cytogenetic location: 8p21.3.
Variant type: single nucleotide variant.
Coding change: c.1054C>T on transcript NM_021020.5 (MANE Select); coding-DNA position 1054, C replaced by T.
Protein change: p.Leu352Phe; replaces leucine 352 with phenylalanine.
Molecular consequence: missense variant.
Genome position (GRCh38, 1-based): chr8:20,252,877, G>A on the plus strand (C>T on the coding strand, the complement: LZTS1 is on the minus strand). VCF-style: chr8-20252877-G-A. GRCh37 (hg19) VCF-style: chr8-20110388-G-A.
Other names: c.1054C>T, p.Leu352Phe (NM_001362884.2); short protein forms L352F.
Identifiers: ClinVar variation 1922710 (VCV001922710.5), dbSNP rs769277911, ClinGen allele CA370476971.

ClinVar aggregate classification (germline): Uncertain significance (1 of 4 stars; one submission).

Submission:

Labcorp Genetics (formerly Invitae), Labcorp
Classification: Uncertain significance. Last evaluated: 2023-02-05. Review status: criteria provided, single submitter. Criteria: Invitae Variant Classification Sherloc (09022015). Collection method: clinical testing. Allele origin: germline.
Comment: In summary, the available evidence is currently insufficient to determine the role of this variant in disease. Therefore, it has been classified as a Variant of Uncertain Significance. This sequence change replaces leucine, which is neutral and non-polar, with phenylalanine, which is neutral and non-polar, at codon 352 of the LZTS1 protein (p.Leu352Phe). This variant is not present in population databases (gnomAD no frequency). This variant has not been reported in the literature in individuals affected with LZTS1-related conditions. Advanced modeling of protein sequence and biophysical properties (such as structural, functional, and spatial information, amino acid conservation, physicochemical variation, residue mobility, and thermodynamic stability) performed at Invitae indicates that this missense variant is expected to disrupt LZTS1 protein function.